The following is an entry in ClinVar:

ClinVar aggregate classification (germline): Uncertain significance (1 of 4 stars; one submission).

gnomAD v4.1: 8 of 1,612,350 alleles (0.0005%); highest among the groups gnomAD compares: African/African-American, 0.0093%; no homozygotes.

Submission:

GeneDx
Classification: Uncertain significance. Last evaluated: 2024-09-17. Review status: criteria provided, single submitter. Criteria: GeneDx Variant Classification Process June 2021. Collection method: clinical testing. Allele origin: germline. Affected: yes.
Comment: Not observed at significant frequency in large population cohorts (gnomAD); Missense variant in a gene in which most reported pathogenic variants are truncating/loss of function; Has not been previously published as pathogenic or benign to our knowledge

NM_001267550.2(TTN):c.36190C>T (p.Leu12064Phe)

Gene: TTN (titin; minus strand). Cytogenetic location: 2q31.2.
Variant type: single nucleotide variant.
Coding change: c.36190C>T on transcript NM_001267550.2 (MANE Select); coding-DNA position 36190, C replaced by T.
Protein change: p.Leu12064Phe; replaces leucine 12064 with phenylalanine.
Molecular consequence: missense variant. On other transcripts: intron variant (5).
Genome position (GRCh38, 1-based): chr2:178,664,666, G>A on the plus strand (C>T on the coding strand, the complement: TTN is on the minus strand). VCF-style: chr2-178664666-G-A. GRCh37 (hg19) VCF-style: chr2-179529393-G-A.
Other names: c.13283-22349C>T (NM_003319.4); c.13859-22349C>T (NM_133437.4); c.13658-22349C>T (NM_133432.3); c.31484-1611C>T (NM_133378.4); c.34265-1611C>T (NM_001256850.1); short protein forms L12064F.
Identifiers: ClinVar variation 3769840 (VCV003769840.1).